The following is an entry in ClinVar:

NM_000382.3(ALDH3A2):c.985C>T (p.Gln329Ter)

Gene: ALDH3A2 (aldehyde dehydrogenase 3 family member A2; plus strand). Cytogenetic location: 17p11.2.
Variant type: single nucleotide variant.
Coding change: c.985C>T on transcript NM_000382.3 (MANE Select); coding-DNA position 985, C replaced by T.
Protein change: p.Gln329Ter; replaces glutamine 329 with a stop codon.
Molecular consequence: nonsense.
Genome position (GRCh38, 1-based): chr17:19,663,377, C>T. VCF-style: chr17-19663377-C-T. GRCh37 (hg19) VCF-style: chr17-19566690-C-T.
Other names: c.985C>T, p.Gln329Ter (NM_001031806.2, NM_001369136.1, NM_001369137.2 and 3 more transcripts); c.406C>T, p.Gln136Ter (NM_001369148.2); short protein forms Q136*, Q329*.
Identifiers: ClinVar variation 1936485 (VCV001936485.5), dbSNP rs1597564608, ClinGen allele CA398709893.

ClinVar aggregate classification (germline): Pathogenic (1 of 4 stars; one submission).

Submission:

Labcorp Genetics (formerly Invitae), Labcorp
Classification: Pathogenic. Last evaluated: 2022-08-06. Review status: criteria provided, single submitter. Criteria: Invitae Variant Classification Sherloc (09022015). Collection method: clinical testing. Allele origin: germline.
Comment: This sequence change creates a premature translational stop signal (p.Gln329*) in the ALDH3A2 gene. It is expected to result in an absent or disrupted protein product. Loss-of-function variants in ALDH3A2 are known to be pathogenic (PMID: 10577908, 10854114). This variant is not present in population databases (gnomAD no frequency). For these reasons, this variant has been classified as Pathogenic. This variant has not been reported in the literature in individuals affected with ALDH3A2-related conditions.

Literature cited by the submitters: PubMed 10577908; PubMed 10854114.